The following is an entry in ClinVar:

NM_001166114.2(PNPLA6):c.2260+262C>T

Gene: PNPLA6 (patatin like phospholipase domain containing 6; plus strand). Cytogenetic location: 19p13.2.
Variant type: single nucleotide variant.
Coding change: c.2260+262C>T on transcript NM_001166114.2 (MANE Select); 262 bases into the intron after coding-DNA position 2260, C replaced by T.
Molecular consequence: intron variant.
Genome position (GRCh38, 1-based): chr19:7,551,699, C>T. VCF-style: chr19-7551699-C-T. GRCh37 (hg19) VCF-style: chr19-7616585-C-T.
Other names: c.2143+262C>T (NM_006702.5, NM_001166113.1); c.2065+262C>T (NM_001166112.2); c.2287+262C>T (NM_001166111.2).
Identifiers: ClinVar variation 680708 (VCV000680708.1), dbSNP rs557596, ClinGen allele CA15941102.

ClinVar aggregate classification (germline): Benign (1 of 4 stars; one submission).

Allele frequency attached by ClinVar (database versions not stated): gnomAD 0.48580; TOPMed 0.49722; 1000 Genomes Project 30x 0.54372; 1000 Genomes Project 0.54692.
gnomAD v4.1: 74,804 of 151,876 alleles (49%); highest among the groups gnomAD compares: South Asian, 65%; 18,853 homozygotes.

Submission:

GeneDx
Classification: Benign. Last evaluated: 2018-06-14. Review status: criteria provided, single submitter. Criteria: GeneDx Variant Classification (06012015). Collection method: clinical testing. Allele origin: germline. Affected: yes.
Comment: This variant is considered likely benign or benign based on one or more of the following criteria: it is a conservative change, it occurs at a poorly conserved position in the protein, it is predicted to be benign by multiple in silico algorithms, and/or has population frequency not consistent with disease.